The following is an entry in ClinVar:

NM_004304.5(ALK):c.854A>G (p.Asn285Ser)

Gene: ALK (ALK receptor tyrosine kinase; minus strand). Cytogenetic location: 2p23.2.
Variant type: single nucleotide variant.
Coding change: c.854A>G on transcript NM_004304.5 (MANE Select); coding-DNA position 854, A replaced by G.
Protein change: p.Asn285Ser; replaces asparagine 285 with serine.
Molecular consequence: missense variant.
Genome position (GRCh38, 1-based): chr2:29,694,948, T>C on the plus strand (A>G on the coding strand, the complement: ALK is on the minus strand). VCF-style: chr2-29694948-T-C. GRCh37 (hg19) VCF-style: chr2-29917814-T-C.
Other names: short protein forms N285S.
Identifiers: ClinVar variation 4723007 (VCV004723007.1).

ClinVar aggregate classification (germline): Uncertain significance (1 of 4 stars; one submission).

Conditions:
Neuroblastoma, susceptibility to, 3. Also called: ALK-Related Neuroblastic Tumor Susceptibility. Identifiers: Orphanet 635, MedGen C2751681, MONDO:0013083, OMIM 613014.

Submission:

Labcorp Genetics (formerly Invitae), Labcorp
Classification: Uncertain significance for Neuroblastoma, susceptibility to, 3. Last evaluated: 2025-07-10. Review status: criteria provided, single submitter. Criteria: Invitae Variant Classification Sherloc (09022015). Collection method: clinical testing. Allele origin: germline.
Comment: This sequence change replaces asparagine, which is neutral and polar, with serine, which is neutral and polar, at codon 285 of the ALK protein (p.Asn285Ser). This variant is not present in population databases (gnomAD no frequency). This variant has not been reported in the literature in individuals affected with ALK-related conditions. An algorithm developed to predict the effect of missense changes on protein structure and function (PolyPhen-2) suggests that this variant is likely to be tolerated. In summary, the available evidence is currently insufficient to determine the role of this variant in disease. Therefore, it has been classified as a Variant of Uncertain Significance.